The following is an entry in ClinVar:

NM_002282.3(KRT83):c.78dup (p.Pro27fs)

Gene: KRT83 (keratin 83; minus strand). Cytogenetic location: 12q13.13.
Variant type: Duplication.
Coding change: c.78dup on transcript NM_002282.3 (MANE Select); coding-DNA position 78, one base duplicated (G; older notation c.78dupG).
Protein change: p.Pro27fs; shifts the reading frame from proline 27.
Molecular consequence: frameshift variant.
Genome position (GRCh38, 1-based): chr12:52,321,258, C duplicated on the plus strand (G on the coding strand, the reverse complement: KRT83 is on the minus strand); the first of 2 consecutive C bases (chr12:52,321,258-52,321,259); duplicating either gives the same sequence. VCF-style (leftmost placement, unchanged base first): chr12-52321257-G-GC. GRCh37 (hg19) VCF-style: chr12-52715041-G-GC.
Other names: c.78dupG (NM_002282.3); short protein forms P27fs.
Identifiers: ClinVar variation 4850579 (VCV004850579.1).

ClinVar aggregate classification (germline): Likely pathogenic (1 of 4 stars; one submission).

Conditions:
Erythrokeratodermia variabilis et progressiva 5. Identifiers: MedGen C4540331, MONDO:0033015, OMIM 617756.

Submission:

First Genomix Gene Laboratory, Genetic Diagnostics Department
Classification: Likely pathogenic for Erythrokeratodermia variabilis et progressiva 5. Last evaluated: 2025-08-04. Review status: criteria provided, single submitter. Criteria: ACMG Guidelines, 2015. Collection method: clinical testing. Allele origin: germline. Inheritance: Autosomal recessive inheritance. Affected: no. Observed: 1 variant allele.